The following is an entry in ClinVar:

ClinVar aggregate classification (germline): Benign. Review status: criteria provided, single submitter (1 of 4 stars). 2 submissions from 1 submitter: Benign (2). Last evaluated 2018-01-12.

Conditions:
Carney complex, type 1 (CNC1). Also called: CARNEY COMPLEX, TYPE I; CARNEY MYXOMA-ENDOCRINE COMPLEX. Identifiers: Orphanet 1359, MedGen C2607929, MONDO:0008057, OMIM 160980.
Acrodysostosis 1 with or without hormone resistance (ACRDYS1). Also called: ACRODYSOSTOSIS WITH HORMONE RESISTANCE; ACRODYSOSTOSIS 1 WITH HORMONE RESISTANCE; ACRODYSOSTOSIS 1 WITHOUT HORMONE RESISTANCE. Identifiers: Orphanet 280651, MedGen C3276228, MONDO:0007044, OMIM 101800.

Allele frequency attached by ClinVar (database versions not stated): gnomAD below 0.00001 and 0.00044; TOPMed 0.00010; gnomAD exomes 0.00025; 1000 Genomes Project 30x 0.00281; 1000 Genomes Project 0.00319.
gnomAD v4.1: 327 of 1,067,804 alleles (0.031%); highest among the groups gnomAD compares: South Asian, 1.2%; 4 homozygotes.

Submissions (2):

Illumina Laboratory Services, Illumina
Classification: Benign for Acrodysostosis 1 with or without hormone resistance. Last evaluated: 2018-01-12. Review status: criteria provided, single submitter. Criteria: ICSL Variant Classification Criteria 13 December 2019. Collection method: clinical testing. Allele origin: germline.
Comment: This variant was observed in the ICSL laboratory as part of a predisposition screen in an ostensibly healthy population. It had not been previously curated by ICSL or reported in the Human Gene Mutation Database (HGMD: prior to June 1st, 2018), and was therefore a candidate for classification through an automated scoring system. Utilizing variant allele frequency, disease prevalence and penetrance estimates, and inheritance mode, an automated score was calculated to assess if this variant is too frequent to cause the disease. Based on the score and internal cut-off values, a variant classified as benign is not then subjected to further curation. The score for this variant resulted in a classification of benign for this disease.

Illumina Laboratory Services, Illumina
Classification: Benign for Carney complex, type 1. Last evaluated: 2018-01-12. Review status: criteria provided, single submitter. Criteria: ICSL Variant Classification Criteria 13 December 2019. Collection method: clinical testing. Allele origin: germline.
Comment: the same text as in the submission from Illumina Laboratory Services, Illumina above.

NM_002734.5(PRKAR1A):c.*672T>C

Gene: PRKAR1A (protein kinase cAMP-dependent type I regulatory subunit alpha; plus strand). Cytogenetic location: 17q24.2.
Variant type: single nucleotide variant.
Coding change: c.*672T>C on transcript NM_002734.5 (MANE Select); 672 bases downstream of the stop codon, T replaced by C.
Molecular consequence: 3 prime UTR variant. On other transcripts: intron variant (1).
Genome position (GRCh38, 1-based): chr17:68,531,121, T>C. VCF-style: chr17-68531121-T-C. GRCh37 (hg19) VCF-style: chr17-66527262-T-C.
Other names: c.*672T>C (NM_001276289.2, NM_001278433.2, NM_001369389.1 and 3 more transcripts); c.973+1120T>C (NM_001276290.1).
Identifiers: ClinVar variation 324792 (VCV000324792.5), dbSNP rs546125048, ClinGen allele CA10649939.